The following is an entry in ClinVar:

NM_012398.3(PIP5K1C):c.1148T>C (p.Val383Ala)

Gene: PIP5K1C (phosphatidylinositol-4-phosphate 5-kinase type 1 gamma; minus strand). Cytogenetic location: 19p13.3.
Variant type: single nucleotide variant.
Coding change: c.1148T>C on transcript NM_012398.3 (MANE Select); coding-DNA position 1148, T replaced by C.
Protein change: p.Val383Ala; replaces valine 383 with alanine.
Molecular consequence: missense variant.
Genome position (GRCh38, 1-based): chr19:3,648,688, A>G on the plus strand (T>C on the coding strand, the complement: PIP5K1C is on the minus strand). VCF-style: chr19-3648688-A-G. GRCh37 (hg19) VCF-style: chr19-3648686-A-G.
Other names: c.1148T>C, p.Val383Ala (NM_001195733.2, NM_001300849.2); c.1148T>C (NM_012398.2); short protein forms V383A.
Identifiers: ClinVar variation 694416 (VCV000694416.5), dbSNP rs1489575349, ClinGen allele CA403383857.

ClinVar aggregate classification (germline): Conflicting classifications of pathogenicity. Review status: criteria provided, conflicting classifications (1 of 4 stars). 2 submissions from 2 submitters: Uncertain significance (1); Likely benign (1). Last evaluated 2021-11-15.

Conditions:
Lethal congenital contracture syndrome 3. Also called: MULTIPLE CONTRACTURE SYNDROME, ISRAELI BEDOUIN TYPE B. Identifiers: Orphanet 137783, MedGen C1969655, MONDO:0012656, OMIM 611369.
Inborn genetic diseases. Identifiers: MedGen C0950123, MeSH D030342.

Allele frequency attached by ClinVar (database versions not stated): gnomAD exomes below 0.00001.
gnomAD v4.1: 2 of 1,612,954 alleles (0.00012%); highest among the groups gnomAD compares: South Asian, 0.0022%; no homozygotes.

Submissions (2):

Ambry Genetics
Classification: Uncertain significance for Inborn genetic diseases. Last evaluated: 2021-11-15. Review status: criteria provided, single submitter. Criteria: Ambry Variant Classification Scheme 2023. Collection method: clinical testing. Allele origin: germline.

Centre for Medical Genetics,  Mumbai
Classification: Likely benign for Lethal congenital contractural syndrome 3. Last evaluated: 2019-08-14. Review status: criteria provided, single submitter. Criteria: ACMG Guidelines, 2015. Collection method: clinical testing. Allele origin: germline. Inheritance: Autosomal recessive inheritance. Affected: no. Observed: 1 homozygote.